The following is an entry in ClinVar:

ClinVar aggregate classification (germline): Uncertain significance (1 of 4 stars; one submission).

gnomAD v4.1: 2 of 1,614,212 alleles (0.00012%); highest among the groups gnomAD compares: Non-Finnish European, 0.000085%; no homozygotes.

Submission:

Labcorp Genetics (formerly Invitae), Labcorp
Classification: Uncertain significance. Last evaluated: 2025-09-17. Review status: criteria provided, single submitter. Criteria: Invitae Variant Classification Sherloc (09022015). Collection method: clinical testing. Allele origin: germline.
Comment: This sequence change replaces asparagine, which is neutral and polar, with serine, which is neutral and polar, at codon 89 of the GATAD2B protein (p.Asn89Ser). This variant is not present in population databases (gnomAD no frequency). This variant has not been reported in the literature in individuals affected with GATAD2B-related conditions. Invitae Evidence Modeling of protein sequence and biophysical properties (such as structural, functional, and spatial information, amino acid conservation, physicochemical variation, residue mobility, and thermodynamic stability) indicates that this missense variant is not expected to disrupt GATAD2B protein function with a negative predictive value of 80%. In summary, the available evidence is currently insufficient to determine the role of this variant in disease. Therefore, it has been classified as a Variant of Uncertain Significance.

NM_020699.4(GATAD2B):c.266A>G (p.Asn89Ser)

Gene: GATAD2B (GATA zinc finger domain containing 2B; minus strand). Cytogenetic location: 1q21.3.
Variant type: single nucleotide variant.
Coding change: c.266A>G on transcript NM_020699.4 (MANE Select); coding-DNA position 266, A replaced by G.
Protein change: p.Asn89Ser; replaces asparagine 89 with serine.
Molecular consequence: missense variant.
Genome position (GRCh38, 1-based): chr1:153,828,082, T>C on the plus strand (A>G on the coding strand, the complement: GATAD2B is on the minus strand). VCF-style: chr1-153828082-T-C. GRCh37 (hg19) VCF-style: chr1-153800558-T-C.
Other names: short protein forms N89S.
Identifiers: ClinVar variation 4768248 (VCV004768248.1).